The following is an entry in ClinVar:

ClinVar aggregate classification (germline): Uncertain significance (1 of 4 stars; one submission).

Conditions:
Familial adenomatous polyposis 1 (FAP1). Also called: FAMILIAL ADENOMATOUS POLYPOSIS 1, ATTENUATED; POLYPOSIS, ADENOMATOUS INTESTINAL. Identifiers: MedGen C2713442, MONDO:0021056, OMIM 175100. Disease mechanism: loss of function.

Allele frequency attached by ClinVar (database versions not stated): 1000 Genomes Project 30x 0.00031; gnomAD 0.00001.

Submission:

Labcorp Genetics (formerly Invitae), Labcorp
Classification: Uncertain significance for Familial adenomatous polyposis 1. Last evaluated: 2023-07-21. Review status: criteria provided, single submitter. Criteria: Invitae Variant Classification Sherloc (09022015). Collection method: clinical testing. Allele origin: germline.
Comment: This variant occurs in a non-coding region of the APC gene. It does not change the encoded amino acid sequence of the APC protein. This variant is not present in population databases (gnomAD no frequency). This variant has not been reported in the literature in individuals affected with APC-related conditions. Experimental studies and prediction algorithms are not available or were not evaluated, and the functional significance of this variant is currently unknown. In summary, the available evidence is currently insufficient to determine the role of this variant in disease. Therefore, it has been classified as a Variant of Uncertain Significance.

NM_001127511.3(APC):c.-11C>G

Gene: APC (APC regulator of Wnt signaling pathway; plus strand). Cytogenetic location: 5q22.2.
Variant type: single nucleotide variant.
Coding change: c.-11C>G on transcript NM_001127511.3; 11 bases upstream of the start codon, C replaced by G.
Molecular consequence: 5 prime UTR variant. On other transcripts: non-coding transcript variant (1), intron variant (5).
Genome position (GRCh38, 1-based): chr5:112,707,707, C>G. VCF-style: chr5-112707707-C-G. GRCh37 (hg19) VCF-style: chr5-112043404-C-G.
Other names: c.-194C>G (NM_001354895.2, NM_001407447.1, NM_001407452.1 and 3 more transcripts); c.-11C>G (NM_001354897.2, NM_001354902.2, NM_001407446.1); c.-1229C>G (NM_001407470.1, NM_001407472.1); c.-19+58C>G (NM_001407448.1, NM_001407450.1, NM_001407457.1 and 1 more transcripts); c.-43+58C>G (NM_001407453.1).
Identifiers: ClinVar variation 1014760 (VCV001014760.7), dbSNP rs1750599043, ClinGen allele CA1573442651.